The following is an entry in ClinVar:

NM_000057.4(BLM):c.2965T>G (p.Cys989Gly)

Gene: BLM (BLM RecQ like helicase; plus strand). Cytogenetic location: 15q26.1.
Variant type: single nucleotide variant.
Coding change: c.2965T>G on transcript NM_000057.4 (MANE Select); coding-DNA position 2965, T replaced by G.
Protein change: p.Cys989Gly; replaces cysteine 989 with glycine.
Molecular consequence: missense variant.
Genome position (GRCh38, 1-based): chr15:90,790,790, T>G. VCF-style: chr15-90790790-T-G. GRCh37 (hg19) VCF-style: chr15-91334020-T-G.
Other names: c.2965T>G, p.Cys989Gly (NM_001287246.2, NM_001287247.2); c.1840T>G, p.Cys614Gly (NM_001287248.2); short protein forms C989G, C614G.
Identifiers: ClinVar variation 2566810 (VCV002566810.2), dbSNP rs1555423112, ClinGen allele CA393846514.

ClinVar aggregate classification (germline): Uncertain significance (1 of 4 stars; one submission).

Conditions:
Hereditary cancer-predisposing syndrome. Also called: Hereditary neoplastic syndrome; Hereditary Cancer Syndrome; Neoplastic Syndromes, Hereditary; Tumor predisposition. Identifiers: Orphanet 140162, MedGen C0027672, MeSH D009386, MONDO:0015356.

Submission:

Ambry Genetics
Classification: Uncertain significance for Hereditary cancer-predisposing syndrome. Last evaluated: 2023-03-30. Review status: criteria provided, single submitter. Criteria: Ambry Variant Classification Scheme 2023. Collection method: clinical testing. Allele origin: germline.
Comment: The p.C989G variant (also known as c.2965T>G), located in coding exon 14 of the BLM gene, results from a T to G substitution at nucleotide position 2965. The cysteine at codon 989 is replaced by glycine, an amino acid with highly dissimilar properties. This amino acid position is conserved. In addition, this alteration is predicted to be deleterious by in silico analysis. Since supporting evidence is limited at this time, the clinical significance of this alteration remains unclear.